The following is an entry in ClinVar:

ClinVar aggregate classification (germline): Likely pathogenic (1 of 4 stars; one submission).

Conditions:
Developmental delay, impaired growth, dysmorphic facies, and axonal neuropathy. Identifiers: MedGen C5436781, MONDO:0030835, OMIM 619090.

Submission:

3billion
Classification: Likely pathogenic for Developmental delay, impaired growth, dysmorphic facies, and axonal neuropathy. Last evaluated: 2026-01-10. Review status: criteria provided, single submitter. Criteria: ACMG Guidelines, 2015. Collection method: clinical testing. Allele origin: germline. Affected: yes.
Comment: The variant is not observed in the gnomAD v4.1.0 dataset. Predicted Consequence/Location: Missense variant. Missense changes are a common disease-causing mechanism. In silico tool predictions suggest damaging effect of the variant on gene or gene product [3Cnet: 0.99 (> 0.75, sensitivity 0.96 and precision 0.92)]. A different missense change at the same codon (p.Thr24Ile) has been reported as pathogenic/likely pathogenic with strong evidence (ClinVar ID: VCV000804228 /PMID: 32693025). Therefore, this variant is classified as Likely pathogenic according to the recommendation of ACMG/AMP guideline.

Literature cited by the submitters: PubMed 32693025.

NM_001303256.3(MORC2):c.70A>G (p.Thr24Ala)

Gene: MORC2 (MORC family CW-type zinc finger 2; minus strand). Cytogenetic location: 22q12.2.
Variant type: single nucleotide variant.
Coding change: c.70A>G on transcript NM_001303256.3 (MANE Select); coding-DNA position 70, A replaced by G.
Protein change: p.Thr24Ala; replaces threonine 24 with alanine.
Molecular consequence: missense variant. On other transcripts: 5 prime UTR variant (1).
Genome position (GRCh38, 1-based): chr22:30,958,693, T>C on the plus strand (A>G on the coding strand, the complement: MORC2 is on the minus strand). VCF-style: chr22-30958693-T-C. GRCh37 (hg19) VCF-style: chr22-31354679-T-C.
Other names: c.70A>G, p.Thr24Ala (NM_001303257.2); c.-117A>G (NM_014941.3); short protein forms T24A.
Identifiers: ClinVar variation 4855479 (VCV004855479.1).